The following is an entry in ClinVar:

NM_001267550.2(TTN):c.75424A>T (p.Thr25142Ser)

Genes: TTN (titin; minus strand), TTN-AS1 (TTN antisense RNA 1; plus strand). Cytogenetic location: 2q31.2.
Variant type: single nucleotide variant.
Coding change: c.75424A>T on transcript NM_001267550.2 (MANE Select); coding-DNA position 75424, A replaced by T.
Protein change: p.Thr25142Ser; replaces threonine 25142 with serine.
Molecular consequence: missense variant.
Genome position (GRCh38, 1-based): chr2:178,570,708, T>A on the plus strand (A>T on the coding strand, the complement: TTN is on the minus strand). VCF-style: chr2-178570708-T-A. GRCh37 (hg19) VCF-style: chr2-179435435-T-A.
Other names: c.70501A>T, p.Thr23501Ser (NM_001256850.1); c.48229A>T, p.Thr16077Ser (NM_003319.4); c.67720A>T, p.Thr22574Ser (NM_133378.4); c.48604A>T, p.Thr16202Ser (NM_133432.3); c.48805A>T, p.Thr16269Ser (NM_133437.4); short protein forms T16077S, T16202S, T16269S, T22574S, T23501S, T25142S.
Identifiers: ClinVar variation 4532530 (VCV004532530.1).
Genomic context (GRCh38, chr2:178,570,708, plus strand): 5'-TCTTTATTTCTAATCGAGCTGTGTTTGAAAGCTCCTGATCACCTTTTATCCACTGAATGG[T>A]TGGTATTGGTTTGCCATAAATATCTGCATCAACCTTGAATGATTCACCAGCATGAACCAC-3'
Protein context (NP_001254479.2, residues 25132-25152): DADIYGKPIP[Thr25142Ser]IQWIKGDQEL

ClinVar aggregate classification (germline): Uncertain significance (1 of 4 stars; one submission).

Submission:

GeneDx
Classification: Uncertain significance. Last evaluated: 2025-05-28. Review status: criteria provided, single submitter. Criteria: GeneDx Variant Classification Process June 2021. Collection method: clinical testing. Allele origin: germline. Affected: yes.
Comment: Not observed at significant frequency in large population cohorts (gnomAD); Missense variant in a gene in which most reported pathogenic variants are truncating/loss of function; Has not been previously published as pathogenic or benign to our knowledge